The following is an entry in ClinVar:

ClinVar aggregate classification (germline): Benign. Review status: criteria provided, multiple submitters, no conflicts (2 of 4 stars). 5 submissions from 5 submitters: Benign (3). 2 of the submissions do not count toward it. Last evaluated 2026-01-27.

Conditions:
ISCU-related disorder. Also called: ISCU-related condition.

Allele frequency attached by ClinVar (database versions not stated): gnomAD 0.00759 and 0.00804; TOPMed 0.00839; 1000 Genomes Project 0.01038; gnomAD exomes 0.00076; ExAC 0.00203; 1000 Genomes Project 30x 0.01077.
gnomAD v4.1: 2,193 of 1,454,254 alleles (0.15%); highest among the groups gnomAD compares: African/African-American, 2.6%; 27 homozygotes.

Submissions (5):

Labcorp Genetics (formerly Invitae), Labcorp
Classification: Benign. Last evaluated: 2026-01-27. Review status: criteria provided, single submitter. Criteria: Invitae Variant Classification Sherloc (09022015). Collection method: clinical testing. Allele origin: germline.

GeneDx
Classification: Benign. Last evaluated: 2014-08-28. Review status: criteria provided, single submitter. Criteria: GeneDx Variant Classification (06012015). Collection method: clinical testing. Allele origin: germline. Affected: yes.
Comment: This variant is considered likely benign or benign based on one or more of the following criteria: it is a conservative change, it occurs at a poorly conserved position in the protein, it is predicted to be benign by multiple in silico algorithms, and/or has population frequency not consistent with disease.

Breakthrough Genomics
Classification: Benign. Review status: criteria provided, single submitter. Criteria: ACMG Guidelines, 2015. Collection method: not provided. Allele origin: germline. Inheritance: Autosomal recessive inheritance. Affected: yes.

PreventionGenetics, part of Exact Sciences
Classification: Benign for ISCU-related condition. Last evaluated: 2019-06-27. Review status: no assertion criteria provided. Collection method: clinical testing. Allele origin: germline. Not counted in ClinVar's aggregate classification.
Comment: This variant is classified as benign based on ACMG/AMP sequence variant interpretation guidelines (Richards et al. 2015 PMID: 25741868, with internal and published modifications).

Mayo Clinic Laboratories, Mayo Clinic
Classification: Likely benign. Last evaluated: 2016-03-16. Review status: no assertion criteria provided. Collection method: clinical testing. Allele origin: unknown. Not counted in ClinVar's aggregate classification.

NM_213595.4(ISCU):c.51G>A (p.Leu17=)

Gene: ISCU (iron-sulfur cluster assembly enzyme; plus strand). Cytogenetic location: 12q23.3.
Variant type: single nucleotide variant.
Coding change: c.51G>A on transcript NM_213595.4 (MANE Select); coding-DNA position 51, G replaced by A.
Protein change: p.Leu17=; no amino-acid change (leucine 17 retained).
Molecular consequence: synonymous variant. On other transcripts: 5 prime UTR variant (1), non-coding transcript variant (1).
Genome position (GRCh38, 1-based): chr12:108,562,673, G>A. VCF-style: chr12-108562673-G-A. GRCh37 (hg19) VCF-style: chr12-108956449-G-A.
Other names: p.L17L:CTG>CTA; c.51G>A, p.Leu17= (NM_001301140.1, NM_001301141.1, NM_001320042.1); c.-121G>A (NM_014301.4).
Identifiers: ClinVar variation 214553 (VCV000214553.17), dbSNP rs112552261, ClinGen allele CA323260.
Genomic context (GRCh38, chr12:108,562,673, plus strand): 5'-AGCCGGCAAGATGGCGGCGGCTGGGGCTTTCCGTCTGAGGCGGGCGGCATCGGCTCTGCT[G>A]CTGCGGAGCCCCCGCCTGCCCGCCCGGGAGCTGTCGGCCCCGGCCCGACTCTATCACAAG-3'
Protein context (NP_998760.1, residues 7-27): FRLRRAASAL[Leu17=]LRSPRLPARE